The following is an entry in ClinVar:

ClinVar aggregate classification (germline): Pathogenic (1 of 4 stars; one submission).

Conditions:
Familial cancer of breast. Also called: Hereditary breast cancer; BREAST CANCER, FAMILIAL; hereditary breast carcinoma. Identifiers: Orphanet 227535, MedGen C0346153, MONDO:0016419, OMIM 114480. Disease mechanism: loss of function.

Submission:

Myriad Genetics, Inc.
Classification: Pathogenic for Familial cancer of breast. Last evaluated: 2023-05-24. Review status: criteria provided, single submitter. Criteria: Myriad Autosomal Dominant, Autosomal Recessive and X-Linked Classification Criteria (2023). Collection method: clinical testing. Allele origin: unknown.
Comment: This variant is considered pathogenic. This variant creates a frameshift predicted to result in premature protein truncation.

NM_000465.4(BARD1):c.1851delinsTG (p.Leu618fs)

Gene: BARD1 (BRCA1 associated RING domain 1; minus strand). Cytogenetic location: 2q35.
Variant type: Indel.
Coding change: c.1851delinsTG on transcript NM_000465.4 (MANE Select); coding-DNA position 1851, C replaced by TG.
Protein change: p.Leu618fs; shifts the reading frame from leucine 618.
Molecular consequence: frameshift variant. On other transcripts: non-coding transcript variant (3), intron variant (1).
Genome position (GRCh38, 1-based): chr2:214,745,119, G replaced by CA on the plus strand (C replaced by TG on the coding strand, the reverse complement: BARD1 is on the minus strand). VCF-style: chr2-214745119-G-CA. GRCh37 (hg19) VCF-style: chr2-215609843-G-CA.
Other names: c.441delinsTG, p.Leu148fs (NM_001282548.2); c.365-14611delinsTG (NM_001282549.2); c.1794delinsTG, p.Leu599fs (NM_001282543.2); c.498delinsTG, p.Leu167fs (NM_001282545.2); short protein forms L148fs, L167fs, L599fs, L618fs.
Identifiers: ClinVar variation 2583267 (VCV002583267.2), dbSNP rs2469338125, ClinGen allele CA2582342060.
Genomic context (GRCh38, chr2:214,745,119, plus strand): 5'-ACACTTACATTCAAATTTTAGAATCCAGCATCCATTGAGAATCCCAAGCATACACTTCAA[G>CA]GTACTTTGAACTGCATCACCAGGAACAACAACATGAGTTACTAAAATACAAAAAAAGCAG-3'